The following is an entry in ClinVar:

ClinVar aggregate classification (germline): Likely benign (1 of 4 stars; one submission).

gnomAD v4.1: 1 of 1,611,712 alleles (0.000062%); highest among the groups gnomAD compares: Admixed American, 0.0017%; no homozygotes.

Submission:

CeGaT Center for Human Genetics Tuebingen
Classification: Likely benign. Last evaluated: 2024-12-01. Review status: criteria provided, single submitter. Criteria: CeGaT Center For Human Genetics Tuebingen Variant Classification Criteria Version 2. Collection method: clinical testing. Allele origin: germline. Affected: yes. Observed: 1 variant allele.
Comment: PLEC: BP4, BP7

NM_201384.3(PLEC):c.1188C>T (p.Arg396=)

Gene: PLEC (plectin; minus strand). Cytogenetic location: 8q24.3.
Variant type: single nucleotide variant.
Coding change: c.1188C>T on transcript NM_201384.3 (MANE Select); coding-DNA position 1188, C replaced by T.
Protein change: p.Arg396=; no amino-acid change (arginine 396 retained).
Molecular consequence: synonymous variant.
Genome position (GRCh38, 1-based): chr8:143,934,073, G>A on the plus strand (C>T on the coding strand, the complement: PLEC is on the minus strand). VCF-style: chr8-143934073-G-A. GRCh37 (hg19) VCF-style: chr8-145008241-G-A.
Other names: c.1122C>T, p.Arg374= (NM_201379.3); c.1599C>T, p.Arg533= (NM_201380.4); c.1092C>T, p.Arg364= (NM_201381.3); c.1188C>T, p.Arg396= (NM_201382.4); c.1200C>T, p.Arg400= (NM_201383.3); c.1269C>T, p.Arg423= (NM_000445.5, NM_001410941.1); c.1146C>T, p.Arg382= (NM_201378.4).
Identifiers: ClinVar variation 3771937 (VCV003771937.13).